The following is an entry in ClinVar:

NM_004333.6(BRAF):c.35C>T (p.Ala12Val)

Gene: BRAF (B-Raf proto-oncogene, serine/threonine kinase; minus strand). Cytogenetic location: 7q34.
Variant type: single nucleotide variant.
Coding change: c.35C>T on transcript NM_004333.6 (MANE Select); coding-DNA position 35, C replaced by T.
Protein change: p.Ala12Val; replaces alanine 12 with valine.
Molecular consequence: missense variant.
Genome position (GRCh38, 1-based): chr7:140,924,669, G>A on the plus strand (C>T on the coding strand, the complement: BRAF is on the minus strand). VCF-style: chr7-140924669-G-A. GRCh37 (hg19) VCF-style: chr7-140624469-G-A.
Other names: c.35C>T, p.Ala12Val (NM_001354609.2, NM_001374244.1, NM_001374258.1 and 7 more transcripts); short protein forms A12V.
Identifiers: ClinVar variation 1396491 (VCV001396491.8), dbSNP rs1818678707, ClinGen allele CA369590229.

ClinVar aggregate classification (germline): Uncertain significance (1 of 4 stars; one submission).

Conditions:
RASopathy. Also called: rasopathies; Noonan spectrum disorder. Identifiers: Orphanet 536391, MedGen C5555857, MONDO:0021060.

Allele frequency attached by ClinVar (database versions not stated): gnomAD 0.00001.

Submission:

Labcorp Genetics (formerly Invitae), Labcorp
Classification: Uncertain significance for RASopathy. Last evaluated: 2022-10-24. Review status: criteria provided, single submitter. Criteria: Invitae Variant Classification Sherloc (09022015). Collection method: clinical testing. Allele origin: germline.
Comment: This sequence change replaces alanine, which is neutral and non-polar, with valine, which is neutral and non-polar, at codon 12 of the BRAF protein (p.Ala12Val). In summary, the available evidence is currently insufficient to determine the role of this variant in disease. Therefore, it has been classified as a Variant of Uncertain Significance. Advanced modeling of protein sequence and biophysical properties (such as structural, functional, and spatial information, amino acid conservation, physicochemical variation, residue mobility, and thermodynamic stability) performed at Invitae indicates that this missense variant is expected to disrupt BRAF protein function. ClinVar contains an entry for this variant (Variation ID: 1396491). This variant has not been reported in the literature in individuals affected with BRAF-related conditions. This variant is not present in population databases (gnomAD no frequency).